The following is an entry in ClinVar:

NM_007294.4(BRCA1):c.1733_1734del (p.Ser578fs)

Gene: BRCA1 (BRCA1 DNA repair associated; minus strand). Cytogenetic location: 17q21.31.
Variant type: Deletion.
Coding change: c.1733_1734del on transcript NM_007294.4 (MANE Select); coding-DNA positions 1733 to 1734, 2 bases deleted (CT; older notation c.1733_1734delCT).
Protein change: p.Ser578fs; shifts the reading frame from serine 578.
Molecular consequence: frameshift variant. On other transcripts: intron variant (137).
Genome position (GRCh38, 1-based): chr17:43,093,797-43,093,798, AG deleted on the plus strand (CT on the coding strand, the reverse complement: BRCA1 is on the minus strand); deleting any 2 consecutive bases within chr17:43,093,797-43,093,799 gives the same sequence; the c. name uses the placement nearest the transcript's 3' end. VCF-style (leftmost placement, unchanged base first): chr17-43093796-CAG-C. GRCh37 (hg19) VCF-style: chr17-41245813-CAG-C.
Other names: c.1733_1734delCT (NM_007294.3); c.1400_1401del, p.Ser467fs (NM_001407946.1, NM_001407957.1, NM_001407947.1 and 6 more transcripts); c.1397_1398del, p.Ser466fs (NM_001407958.1, NM_001407954.1, NM_001407955.1 and 1 more transcripts); c.1352_1353del, p.Ser451fs (NM_001407959.1, NM_001407960.1, NM_001407963.1); c.1349_1350del, p.Ser450fs (NM_001407962.1); c.1589_1590del, p.Ser530fs (NM_001407964.1, NM_001407740.1, NM_001407838.1 and 20 more transcripts); c.1229_1230del, p.Ser410fs (NM_001407965.1); c.845_846del, p.Ser282fs (NM_001407966.1, NM_001407967.1); and 41 more; short protein forms S531fs, S578fs, S410fs, S450fs, S451fs, S466fs, S490fs, S510fs.
Identifiers: ClinVar variation 254397 (VCV000254397.5), dbSNP rs886037991, ClinGen allele CA10586654.

ClinVar aggregate classification (germline): Pathogenic. Review status: reviewed by expert panel (3 of 4 stars). 3 submissions from 3 submitters: Pathogenic (1). 2 of the submissions do not count toward it. Last evaluated 2016-09-08.

Conditions:
Breast-ovarian cancer, familial, susceptibility to, 1 (BROVCA1). Also called: BRCA1 Hereditary Breast and Ovarian Cancer; OVARIAN CANCER, SUSCEPTIBILITY TO. Identifiers: Orphanet 145, MedGen C2676676, MONDO:0011450, OMIM 604370. Disease mechanism: loss of function.

Submissions (3):

Evidence-based Network for the Interpretation of Germline Mutant Alleles (ENIGMA)
Classification: Pathogenic for Breast-ovarian cancer, familial, susceptibility to, 1. Last evaluated: 2016-09-08. Review status: reviewed by expert panel. Criteria: ENIGMA BRCA1/2 Classification Criteria (2015). Collection method: curation. Allele origin: germline.
Comment: Variant allele predicted to encode a truncated non-functional protein.

Genologica Medica
Classification: Pathogenic for Breast-ovarian cancer, familial, susceptibility to, 1. Last evaluated: 2017-01-01. Review status: criteria provided, single submitter. Criteria: ACMG Guidelines, 2015. Collection method: clinical testing. Allele origin: germline. Affected: yes. Not counted in ClinVar's aggregate classification.

Consortium of Investigators of Modifiers of BRCA1/2 (CIMBA), c/o University of Cambridge
Classification: Pathogenic for Breast-ovarian cancer, familial, susceptibility to, 1. Last evaluated: 2015-10-02. Review status: criteria provided, single submitter. Criteria: CIMBA Mutation Classification guidelines May 2016. Collection method: clinical testing. Allele origin: germline. Not counted in ClinVar's aggregate classification.